The following is an entry in ClinVar:

NM_198253.3(TERT):c.3268G>A (p.Val1090Met)

Gene: TERT (telomerase reverse transcriptase; minus strand). Cytogenetic location: 5p15.33.
Variant type: single nucleotide variant.
Coding change: c.3268G>A on transcript NM_198253.3 (MANE Select); coding-DNA position 3268, G replaced by A.
Protein change: p.Val1090Met; replaces valine 1090 with methionine.
Molecular consequence: missense variant. On other transcripts: non-coding transcript variant (2).
Genome position (GRCh38, 1-based): chr5:1,254,395, C>T on the plus strand (G>A on the coding strand, the complement: TERT is on the minus strand). VCF-style: chr5-1254395-C-T. GRCh37 (hg19) VCF-style: chr5-1254510-C-T.
Other names: c.3079G>A, p.Val1027Met (NM_001193376.3); short protein forms V1090M, V1027M.
Identifiers: ClinVar variation 12733 (VCV000012733.28), dbSNP rs121918664, ClinGen allele CA122661.

ClinVar aggregate classification (germline): Uncertain significance. Review status: criteria provided, multiple submitters, no conflicts (2 of 4 stars). 13 submissions from 13 submitters: Uncertain significance (10). 3 of the submissions do not count toward it. Last evaluated 2026-01-14.

Conditions:
Dyskeratosis congenita, autosomal dominant 2. Identifiers: MedGen C3151443, MONDO:0013521, OMIM 613989.
Idiopathic Pulmonary Fibrosis. Also called: Idiopathic fibrosing alveolitis, chronic form; idiopathic fibrosing alveolitis. Identifiers: Orphanet 2032, MedGen C1800706, MeSH D054990, MONDO:0800504.
TERT-related disorder. Also called: TERT-related condition; TERT-related disorders.
Pulmonary fibrosis and/or bone marrow failure, Telomere-related, 1. Also called: PULMONARY FIBROSIS AND/OR BONE MARROW FAILURE SYNDROME, TELOMERE-RELATED, 1. Identifiers: Orphanet 88, MedGen C3553617, MONDO:0013878, OMIM 614742.
Aplastic anemia. Identifiers: Orphanet 182040, Orphanet 88, MedGen C0002874, MONDO:0015909, OMIM 609135, HP:0001915.
Interstitial lung disease 2 (ILD2). Also called: FIBROCYSTIC PULMONARY DYSPLASIA; FIBROSING ALVEOLITIS, CRYPTOGENIC; Familial idiopathic pulmonary fibrosis. Identifiers: Orphanet 2032, Orphanet 79126, MedGen C5561926, MONDO:0800497, OMIM 178500, MONDO:0800029.
Dyskeratosis congenita, autosomal dominant 1 (DKCA1). Also called: Dyskeratosis congenita Scoggins type. Identifiers: Orphanet 1775, MedGen C4551974, MONDO:0007485, OMIM 127550. Inheritance: Variable.
Melanoma, cutaneous malignant, susceptibility to, 9. Also called: Cutaneous malignant melanoma 9. Identifiers: Orphanet 618, MedGen C3554574, MONDO:0014056, OMIM 615134.
Acute myeloid leukemia (AML). Also called: Acute myeloid leukemia, adult; AML adult; Acute non-lymphocytic leukemia; Acute granulocytic leukemia; Leukemia, acute myeloid, somatic; Leukemia, acute myelogenous, somatic. Identifiers: Orphanet 519, MedGen C0023467, MeSH D015470, MONDO:0018874, OMIM 601626, HP:0004808. Disease mechanism: Constitutively activated FLT3.
Dyskeratosis congenita. Identifiers: Orphanet 1775, MedGen C0265965, MONDO:0015780.

Allele frequency attached by ClinVar (database versions not stated): gnomAD exomes 0.00005; gnomAD 0.00009; TOPMed 0.00012; ExAC 0.00006.
gnomAD v4.1: 79 of 1,613,136 alleles (0.0049%); highest among the groups gnomAD compares: African/African-American, 0.02%; no homozygotes.

Submissions 1 to 9 of 13:

Dasa
Classification: Uncertain significance. Last evaluated: 2026-01-14. Review status: criteria provided, single submitter. Criteria: DASA Assertion Criteria. Collection method: clinical testing. Allele origin: germline.
Comment: NM_198253.3(TERT):c.3268G>A (p.Val1090Met) is a missense variant that results in the substitution of valine with methionine. Functional evidence supports a deleterious effect on the gene or gene product (PMID: 15814878; PMID: 19561322; PMID: 23901009; PMID: 26365799; PMID: 28154186). This variant has been recurrently observed in individuals with related phenotype (PMID: 15814878; PMID: 19561322; PMID: 23901009; PMID: 26365799; PMID: 28154186). The variant is present at low frequency in population datasets. Based on the available data, this variant is classified as variant of uncertain significance.

Labcorp Genetics (formerly Invitae), Labcorp
Classification: Uncertain significance for Dyskeratosis congenita, autosomal dominant 2; Idiopathic Pulmonary Fibrosis. Last evaluated: 2025-10-13. Review status: criteria provided, single submitter. Criteria: Invitae Variant Classification Sherloc (09022015). Collection method: clinical testing. Allele origin: germline.
Comment: This sequence change replaces valine, which is neutral and non-polar, with methionine, which is neutral and non-polar, at codon 1090 of the TERT protein (p.Val1090Met). This variant is present in population databases (rs121918664, gnomAD 0.03%). This missense change has been observed in individual(s) with aplastic anaemia, hepatocellular carcinoma, and/or myelodysplastic syndrome (PMID: 15814878, 19561322, 28813500, 34019641). ClinVar contains an entry for this variant (Variation ID: 12733). Invitae Evidence Modeling of protein sequence and biophysical properties (such as structural, functional, and spatial information, amino acid conservation, physicochemical variation, residue mobility, and thermodynamic stability) indicates that this missense variant is not expected to disrupt TERT protein function with a negative predictive value of 95%. Experimental studies have shown that this missense change affects TERT function (PMID: 15814878, 19561322, 23901009, 26365799, 28154186, 28813500, 34019641). In summary, the available evidence is currently insufficient to determine the role of this variant in disease. Therefore, it has been classified as a Variant of Uncertain Significance.

Clinical Genomics Laboratory, Washington University in St. Louis
Classification: Uncertain significance for Dyskeratosis congenita, autosomal dominant 2; Pulmonary fibrosis and/or bone marrow failure, Telomere-related, 1. Last evaluated: 2025-03-11. Review status: criteria provided, single submitter. Criteria: ACMG Guidelines, 2015. Collection method: clinical testing. Allele origin: germline.
Comment: The TERT c.3268G>A (p.Val1090Met) variant has been observed in individuals with aplastic anemia, hepatocellular carcinoma, and hereditary breast cancer (Donaires FS et al., PMID: 28813500; Sandoval RL et al., PMID: 33606809; Yamaguchi H et al., PMID: 15814878). A clinically healthy individual also carried this variant inherited from an individual with aplastic anemia (Calado RT et al., PMID: 19561322), suggesting incomplete penetrance. The highest population minor allele frequency in the population database genome aggregation database (v.2.1.1) is 0.02% in the African population. Multiple functional studies show reduced telomerase activity and processivity and telomere length and elongation capacity, indicating that this variant impacts protein function (Bryan C et al., PMID: 26365799; Fernandez-Varas B et al., PMID: 38641551; Hoffman H et al., PMID: 28154186; Zaug AJ et al., PMID: 23901009). Computational predictors suggest that the variant does not impact TERT function. This variant has been reported in the ClinVar database as a germline variant of uncertain significance by eight submitters. Due to limited information, and based on ACMG/AMP guidelines for variant interpretation (Richards S et al., PMID: 25741868), the clinical significance of this variant is uncertain at this time.

GeneDx
Classification: Uncertain significance. Last evaluated: 2024-12-10. Review status: criteria provided, single submitter. Criteria: GeneDx Variant Classification Process June 2021. Collection method: clinical testing. Allele origin: germline. Affected: yes.
Comment: Published functional studies demonstrate a damaging effect: reduced telomere length and elongation capacity, as well as reduced telomerase activity and telomerase processivity (PMID: 15814878, 19561322, 28154186, 34019641); In silico analysis indicates that this missense variant does not alter protein structure/function; This variant is associated with the following publications: (PMID: 19796246, 19561322, 34019641, 28154186, 23901009, 26365799, 23538340, 20301779, 23716176, 16647572, 26851889, 28813500, 15814878, 38641551)

Blueprint Genetics
Classification: Uncertain significance. Last evaluated: 2024-09-02. Review status: criteria provided, single submitter. Criteria: ACMG Guidelines, 2015. Collection method: clinical testing. Allele origin: germline.

Ambry Genetics
Classification: Uncertain significance for Dyskeratosis congenita. Last evaluated: 2024-08-29. Review status: criteria provided, single submitter. Criteria: Ambry Variant Classification Scheme 2023. Collection method: clinical testing. Allele origin: germline.
Comment: The p.V1090M variant (also known as c.3268G>A), located in coding exon 15 of the TERT gene, results from a G to A substitution at nucleotide position 3268. The valine at codon 1090 is replaced by methionine, an amino acid with highly similar properties. This variant was reported in multiple individuals with features consistent with TERT-related disorder (Yamaguchi H et al. N Engl J Med, 2005 Apr;352:1413-24; Reilly CR et al. Blood, 2021 Sep;138:898-911). Functional studies suggest the variant reduces telomerase activity; however, the physiological relevance of this finding is unclear (Yamaguchi H et al. N Engl J Med, 2005 Apr;352:1413-24; Zaug AJ et al. Nucleic Acids Res, 2013 Oct;41:8969-78; Hoffman H et al. J Biol Chem, 2017 Mar;292:4593-4601; Reilly CR et al. Blood, 2021 Sep;138:898-911). This amino acid position is poorly conserved in available vertebrate species. In addition, the in silico prediction for this alteration is inconclusive. Based on the available evidence, the clinical significance of this variant remains unclear.

Baylor Genetics
Classification: Uncertain significance for Dyskeratosis congenita, autosomal dominant 2. Last evaluated: 2024-02-08. Review status: criteria provided, single submitter. Criteria: ACMG Guidelines, 2015. Collection method: clinical testing. Allele origin: unknown.

Fulgent Genetics
Classification: Uncertain significance for Dyskeratosis congenita, autosomal dominant 1; Interstitial lung disease 2; Acute myeloid leukemia; Aplastic anemia; Dyskeratosis congenita, autosomal dominant 2; Pulmonary fibrosis and/or bone marrow failure, Telomere-related, 1; Melanoma, cutaneous malignant, susceptibility to, 9. Last evaluated: 2022-05-12. Review status: criteria provided, single submitter. Criteria: ACMG Guidelines, 2015. Collection method: clinical testing. Allele origin: unknown.

St. Jude Molecular Pathology, St. Jude Children's Research Hospital
Classification: Uncertain significance for Dyskeratosis congenita, autosomal dominant 2. Last evaluated: 2022-02-10. Review status: criteria provided, single submitter. Criteria: St. Jude Assertion Criteria 2020. Collection method: clinical testing. Allele origin: germline.
Comment: The TERT c.3268G>A (p.Val1090Met) missense change has a maximum subpopulation frequency of 0.024% in gnomAD v2.1.1. This variant occurs in a gene where missense variants are more likely to be damaging based on methods described by Lek et al. (PP2; PMID: 27535533). In silico tools are not in agreement about the effect of this variant on protein function, but functional assays on this variant have shown telomere length shortening, reduced hematopoietic function and loss of telomerase activity (PS3; PMID: 15814878, 19796246, 26365799, 28154186). This variant has been observed in an individual with aplastic anemia (PMID: 15814878), hepatocellular carcinoma (PMID: 2881350) and one healthy carrier (PMID: 19561322). To our knowledge, this variant has not been reported in individuals with clinical features of dyskeratosis congenita. In summary, this variant meets criteria to be classified as of uncertain significance based on the ACMG/AMP criteria: PS3, PP2.